The following is an entry in ClinVar:

ClinVar aggregate classification (germline): Benign/Likely benign. Review status: criteria provided, multiple submitters, no conflicts (2 of 4 stars). 3 submissions from 3 submitters: Benign (1); Likely benign (2). Last evaluated 2024-05-10.

Conditions:
Familial adenomatous polyposis 1 (FAP1). Also called: POLYPOSIS, ADENOMATOUS INTESTINAL; FAMILIAL ADENOMATOUS POLYPOSIS 1, ATTENUATED. Identifiers: MedGen C2713442, MONDO:0021056, OMIM 175100. Disease mechanism: loss of function.
Hereditary cancer-predisposing syndrome. Also called: Tumor predisposition; Neoplastic Syndromes, Hereditary; Hereditary Cancer Syndrome; Hereditary neoplastic syndrome. Identifiers: Orphanet 140162, MedGen C0027672, MeSH D009386, MONDO:0015356.

Submissions (3):

Ambry Genetics
Classification: Likely benign for Hereditary cancer-predisposing syndrome. Last evaluated: 2024-05-10. Review status: criteria provided, single submitter. Criteria: Ambry Variant Classification Scheme 2023. Collection method: clinical testing. Allele origin: germline.

Myriad Genetics, Inc.
Classification: Benign for Familial adenomatous polyposis 1. Last evaluated: 2024-04-15. Review status: criteria provided, single submitter. Criteria: Myriad Autosomal Dominant, Autosomal Recessive and X-Linked Classification Criteria (2023). Collection method: clinical testing. Allele origin: unknown.
Comment: This variant is considered benign. This variant is a silent/synonymous amino acid change and it is not expected to impact splicing.

Labcorp Genetics (formerly Invitae), Labcorp
Classification: Likely benign for Familial adenomatous polyposis 1. Last evaluated: 2019-09-23. Review status: criteria provided, single submitter. Criteria: Invitae Variant Classification Sherloc (09022015). Collection method: clinical testing. Allele origin: germline.

NM_000038.6(APC):c.8397A>G (p.Ser2799=)

Gene: APC (APC regulator of Wnt signaling pathway; plus strand). Cytogenetic location: 5q22.2.
Variant type: single nucleotide variant.
Coding change: c.8397A>G on transcript NM_000038.6 (MANE Select); coding-DNA position 8397, A replaced by G.
Protein change: p.Ser2799=; no amino-acid change (serine 2799 retained).
Molecular consequence: synonymous variant.
Genome position (GRCh38, 1-based): chr5:112,843,991, A>G. VCF-style: chr5-112843991-A-G. GRCh37 (hg19) VCF-style: chr5-112179688-A-G.
Other names: c.8397A>G, p.Ser2799= (NM_001127510.3, NM_001354895.2); c.8343A>G, p.Ser2781= (NM_001127511.3); c.8451A>G, p.Ser2817= (NM_001354896.2); c.8427A>G, p.Ser2809= (NM_001354897.2); c.8322A>G, p.Ser2774= (NM_001354898.2); c.8313A>G, p.Ser2771= (NM_001354899.2); c.8274A>G, p.Ser2758= (NM_001354900.2); c.8220A>G, p.Ser2740= (NM_001354901.2); and 6 more.
Identifiers: ClinVar variation 1158202 (VCV001158202.12), dbSNP rs2150004626, ClinGen allele CA446211340.
Genomic context (GRCh38, chr5:112,843,991, plus strand): 5'-CAGAGTGACTCCTTTTAATTACAACCCAAGCCCTAGGAAAAGCAGCGCAGATAGCACTTC[A>G]GCTCGGCCATCTCAGATCCCAACTCCAGTGAATAACAACACAAAGAAGCGAGATTCCAAA-3'
Protein context (NP_000029.2, residues 2789-2809): SPRKSSADST[Ser2799=]ARPSQIPTPV